The following is an entry in ClinVar:

ClinVar aggregate classification (germline): Pathogenic (1 of 4 stars; one submission).

Submission:

CeGaT Center for Human Genetics Tuebingen
Classification: Pathogenic. Last evaluated: 2023-09-01. Review status: criteria provided, single submitter. Criteria: CeGaT Center For Human Genetics Tuebingen Variant Classification Criteria Version 2. Collection method: clinical testing. Allele origin: germline. Affected: yes. Observed: 1 variant allele.
Comment: PRR12: PVS1, PS2, PM2

NM_020719.3(PRR12):c.1441_1450del (p.Gln481fs)

Gene: PRR12 (proline rich 12; plus strand). Cytogenetic location: 19q13.33.
Variant type: Deletion.
Coding change: c.1441_1450del on transcript NM_020719.3 (MANE Select); coding-DNA positions 1441 to 1450, 10 bases deleted (CAGCCCCCCA; older notation c.1441_1450delCAGCCCCCCA).
Protein change: p.Gln481fs; shifts the reading frame from glutamine 481.
Molecular consequence: frameshift variant.
Genome position (GRCh38, 1-based): chr19:49,595,776-49,595,785, CAGCCCCCCA deleted; deleting any 10 consecutive bases within chr19:49,595,768-49,595,785 gives the same sequence; the c. name uses the placement nearest the transcript's 3' end. VCF-style (leftmost placement, unchanged base first): chr19-49595767-GGCCCCCCACA-G. GRCh37 (hg19) VCF-style: chr19-50099024-GGCCCCCCACA-G.
Other names: short protein forms Q481fs.
Identifiers: ClinVar variation 2578838 (VCV002578838.25), dbSNP rs2514271118, ClinGen allele CA2580617891.